The following is an entry in ClinVar:

ClinVar aggregate classification (germline): Uncertain significance (1 of 4 stars; one submission).

gnomAD v4.1: 1 of 1,613,412 alleles (0.000062%); highest among the groups gnomAD compares: Non-Finnish European, 0.000085%; no homozygotes.

Submission:

Labcorp Genetics (formerly Invitae), Labcorp
Classification: Uncertain significance. Last evaluated: 2022-09-07. Review status: criteria provided, single submitter. Criteria: Invitae Variant Classification Sherloc (09022015). Collection method: clinical testing. Allele origin: germline.
Comment: In summary, the available evidence is currently insufficient to determine the role of this variant in disease. Therefore, it has been classified as a Variant of Uncertain Significance. Algorithms developed to predict the effect of sequence changes on RNA splicing suggest that this variant may create or strengthen a splice site. This variant has not been reported in the literature in individuals affected with COL11A2-related conditions. The frequency data for this variant in the population databases is considered unreliable, as metrics indicate poor data quality at this position in the gnomAD database. This sequence change falls in intron 54 of the COL11A2 gene. It does not directly change the encoded amino acid sequence of the COL11A2 protein.

NM_080680.3(COL11A2):c.3960+13G>A

Gene: COL11A2 (collagen type XI alpha 2 chain; minus strand). Cytogenetic location: 6p21.32.
Variant type: single nucleotide variant.
Coding change: c.3960+13G>A on transcript NM_080680.3 (MANE Select); 13 bases into the intron after coding-DNA position 3960, G replaced by A.
Molecular consequence: intron variant.
Genome position (GRCh38, 1-based): chr6:33,168,506, C>T on the plus strand (G>A on the coding strand, the complement: COL11A2 is on the minus strand). VCF-style: chr6-33168506-C-T. GRCh37 (hg19) VCF-style: chr6-33136283-C-T.
Other names: c.3639+13G>A (NM_080679.3); c.3702+13G>A (NM_080681.3).
Identifiers: ClinVar variation 1940884 (VCV001940884.5), dbSNP rs1396180756, ClinGen allele CA566426437.